The following is an entry in ClinVar:

NM_005035.4(POLRMT):c.2823C>T (p.Ala941=)

Gene: POLRMT (RNA polymerase mitochondrial; minus strand). Cytogenetic location: 19p13.3.
Variant type: single nucleotide variant.
Coding change: c.2823C>T on transcript NM_005035.4 (MANE Select); coding-DNA position 2823, C replaced by T.
Protein change: p.Ala941=; no amino-acid change (alanine 941 retained).
Molecular consequence: synonymous variant. On other transcripts: non-coding transcript variant (1).
Genome position (GRCh38, 1-based): chr19:620,021, G>A on the plus strand (C>T on the coding strand, the complement: POLRMT is on the minus strand). VCF-style: chr19-620021-G-A. GRCh37 (hg19) VCF-style: chr19-620021-G-A.
Other names: c.2823C>T, p.Ala941= (NM_001407805.1, NM_001407808.1, NM_001407812.1 and 3 more transcripts); c.2814C>T, p.Ala938= (NM_001407806.1, NM_001407809.1); c.2811C>T, p.Ala937= (NM_001407807.1, NM_001407810.1); c.2781C>T, p.Ala927= (NM_001407811.1, NM_001407813.1); c.2700C>T, p.Ala900= (NM_001407829.1); c.2598C>T, p.Ala866= (NM_001407830.1, NM_001407832.1); c.2499C>T, p.Ala833= (NM_001407831.1, NM_001407833.1, NM_001407835.1 and 1 more transcripts); c.2490C>T, p.Ala830= (NM_001407834.1).
Identifiers: ClinVar variation 5040821 (VCV005040821.1).

ClinVar aggregate classification (germline): Benign (1 of 4 stars; one submission).

gnomAD v4.1: 9,190 of 1,576,896 alleles (0.58%); highest among the groups gnomAD compares: South Asian, 1.2%; 44 homozygotes.

Submission:

CeGaT Center for Human Genetics Tuebingen
Classification: Benign. Last evaluated: 2026-09-01. Review status: criteria provided, single submitter. Criteria: CeGaT Center For Human Genetics Tuebingen Variant Classification Criteria Version 2. Collection method: clinical testing. Allele origin: germline. Affected: yes. Observed: 1 variant allele.
Comment: POLRMT: BP4, BP7, BS1, BS2